The following is an entry in ClinVar:

ClinVar aggregate classification (germline): Uncertain significance (1 of 4 stars; one submission).

Submission:

Labcorp Genetics (formerly Invitae), Labcorp
Classification: Uncertain significance. Last evaluated: 2024-08-06. Review status: criteria provided, single submitter. Criteria: Invitae Variant Classification Sherloc (09022015). Collection method: clinical testing. Allele origin: germline.
Comment: This sequence change replaces alanine, which is neutral and non-polar, with serine, which is neutral and polar, at codon 242 of the PSMG2 protein (p.Ala242Ser). This variant is not present in population databases (gnomAD no frequency). This variant has not been reported in the literature in individuals affected with PSMG2-related conditions. An algorithm developed to predict the effect of missense changes on protein structure and function outputs the following: PolyPhen-2: "Benign". The serine amino acid residue is found in multiple mammalian species, which suggests that this missense change does not adversely affect protein function. In summary, the available evidence is currently insufficient to determine the role of this variant in disease. Therefore, it has been classified as a Variant of Uncertain Significance.

NM_020232.5(PSMG2):c.724G>T (p.Ala242Ser)

Gene: PSMG2 (proteasome assembly chaperone 2; plus strand). Cytogenetic location: 18p11.21.
Variant type: single nucleotide variant.
Coding change: c.724G>T on transcript NM_020232.5 (MANE Select); coding-DNA position 724, G replaced by T.
Protein change: p.Ala242Ser; replaces alanine 242 with serine.
Molecular consequence: missense variant.
Genome position (GRCh38, 1-based): chr18:12,725,460, G>T. VCF-style: chr18-12725460-G-T. GRCh37 (hg19) VCF-style: chr18-12725459-G-T.
Other names: c.631G>T, p.Ala211Ser (NM_147163.2); short protein forms A242S, A211S.
Identifiers: ClinVar variation 3698318 (VCV003698318.2).